The following is an entry in ClinVar:

NM_001165963.4(SCN1A):c.6009_6013dup (p.Lys2005fs)

Genes: SCN1A (sodium voltage-gated channel alpha subunit 1; minus strand), LOC102724058 (uncharacterized LOC102724058; plus strand). Cytogenetic location: 2q24.3.
Variant type: Duplication.
Coding change: c.6009_6013dup on transcript NM_001165963.4 (MANE Select); coding-DNA positions 6009 to 6013, 5 bases duplicated (TGAAA; older notation c.6009_6013dupTGAAA).
Protein change: p.Lys2005fs; shifts the reading frame from lysine 2005.
Molecular consequence: frameshift variant. On other transcripts: non-coding transcript variant (1).
Genome position (GRCh38, 1-based): chr2:165,991,262-165,991,266, TTTCA duplicated on the plus strand (TGAAA on the coding strand, the reverse complement: SCN1A is on the minus strand); duplicating any 5 consecutive bases within chr2:165,991,262-165,991,267 gives the same sequence; the c. name uses the placement nearest the transcript's 3' end. VCF-style (leftmost placement, unchanged base first): chr2-165991261-T-TTTTCA. GRCh37 (hg19) VCF-style: chr2-166847771-T-TTTTCA.
Other names: c.5925_5929dup, p.Lys1977fs (NM_001165964.3, NM_001353957.2, NM_001353958.2); c.6009_6013dup, p.Lys2005fs (NM_001202435.3, NM_001353948.2); c.5976_5980dup, p.Lys1994fs (NM_001353949.2, NM_001353950.2, NM_001353951.2 and 2 more transcripts); c.5973_5977dup, p.Lys1993fs (NM_001353954.2, NM_001353955.2); c.5922_5926dup, p.Lys1976fs (NM_001353960.2); c.3567_3571dup, p.Lys1191fs (NM_001353961.2); short protein forms K1191fs, K1976fs, K1993fs, K1994fs, K2005fs, K1977fs.
Identifiers: ClinVar variation 524008 (VCV000524008.38), dbSNP rs1553519690, ClinGen allele CA658795909.
Genomic context (GRCh38, chr2:165,991,261, plus strand): 5'-GGCTGTAAACAATTTGTCACCCAATTATTTTTATTTATTTTCATTTATTTCCCTTTGGCT[T>TTTTCA]TTTCATCTTTGCCTTCTTGCTCATGTTTTTCCACAATTGGCTTTGTCACCCGGTCATAGG-3'

ClinVar aggregate classification (germline): Uncertain significance. Review status: criteria provided, multiple submitters, no conflicts (2 of 4 stars). 2 submissions from 2 submitters: Uncertain significance (2). Last evaluated 2021-11-01.

Submissions (2):

CeGaT Center for Human Genetics Tuebingen
Classification: Uncertain significance. Last evaluated: 2021-11-01. Review status: criteria provided, single submitter. Criteria: CeGaT Center For Human Genetics Tuebingen Variant Classification Criteria Version 2. Collection method: clinical testing. Allele origin: germline. Affected: yes. Observed: 1 variant allele.

GeneDx
Classification: Uncertain significance. Last evaluated: 2018-03-13. Review status: criteria provided, single submitter. Criteria: GeneDx Variant Classification (06012015). Collection method: clinical testing. Allele origin: germline. Affected: yes.
Comment: A variant of uncertain significance has been identified in the SCN1A gene. The c.6009_6013dupTGAAA variant has not been published as a pathogenic variant, nor has it been reported as a benign variant to our knowledge. The c.6009_6013dupTGAAA variant is not observed in large population cohorts (Lek et al., 2016). This substitution is predicted to be within C-terminal cytoplasmic domain. The c.6009_6013dupTGAAA variant causes a frameshift starting with codon Lysine 2005, changes this amino acid to a Methionine residue and creates a premature Stop codon at position 9 of the new reading frame, denoted p.Lys2005MetfsX9. This variant alters the protein as the last 5 amino acids are replaced by 8 incorrect amino acids. However, it is not predicted to cause loss of normal protein function either through protein truncation or nonsense-mediated mRNA decay. Therefore, based on the currently available information, it is unclear whether this variant is a pathogenic variant or a rare benign variant.